The following is an entry in ClinVar:

ClinVar aggregate classification (germline): Uncertain significance (1 of 4 stars; one submission).

Conditions:
Gorlin syndrome. Also called: Nevoid Basal Cell Carcinoma Syndrome; Basal cell nevus syndrome. Identifiers: Orphanet 377, MedGen C0004779, MONDO:0007187.

Submission:

Labcorp Genetics (formerly Invitae), Labcorp
Classification: Uncertain significance for Gorlin syndrome. Last evaluated: 2021-11-05. Review status: criteria provided, single submitter. Criteria: Invitae Variant Classification Sherloc (09022015). Collection method: clinical testing. Allele origin: germline.
Comment: This sequence change replaces glycine, which is neutral and non-polar, with tryptophan, which is neutral and slightly polar, at codon 1390 of the PTCH1 protein (p.Gly1390Trp). This variant is not present in population databases (gnomAD no frequency). This variant has not been reported in the literature in individuals affected with PTCH1-related conditions. Advanced modeling of protein sequence and biophysical properties (such as structural, functional, and spatial information, amino acid conservation, physicochemical variation, residue mobility, and thermodynamic stability) performed at Invitae indicates that this missense variant is not expected to disrupt PTCH1 protein function. In summary, the available evidence is currently insufficient to determine the role of this variant in disease. Therefore, it has been classified as a Variant of Uncertain Significance.

NM_000264.5(PTCH1):c.4168G>T (p.Gly1390Trp)

Gene: PTCH1 (patched 1; minus strand). Cytogenetic location: 9q22.32.
Variant type: single nucleotide variant.
Coding change: c.4168G>T on transcript NM_000264.5 (MANE Select); coding-DNA position 4168, G replaced by T.
Protein change: p.Gly1390Trp; replaces glycine 1390 with tryptophan.
Molecular consequence: missense variant. On other transcripts: non-coding transcript variant (1).
Genome position (GRCh38, 1-based): chr9:95,447,088, C>A on the plus strand (G>T on the coding strand, the complement: PTCH1 is on the minus strand). VCF-style: chr9-95447088-C-A. GRCh37 (hg19) VCF-style: chr9-98209370-C-A.
Other names: c.3970G>T, p.Gly1324Trp (NM_001083602.3); c.4165G>T, p.Gly1389Trp (NM_001083603.3); c.3715G>T, p.Gly1239Trp (NM_001083604.3, NM_001083605.3, NM_001083606.3 and 1 more transcripts); c.4012G>T, p.Gly1338Trp (NM_001354918.2); short protein forms G1389W, G1338W, G1239W, G1324W, G1390W.
Identifiers: ClinVar variation 1391367 (VCV001391367.1), dbSNP rs1239904766, ClinGen allele CA374110192.